The following is an entry in ClinVar:

NM_001963.6(EGF):c.1919A>G (p.Asp640Gly)

Gene: EGF (epidermal growth factor; plus strand). Cytogenetic location: 4q25.
Variant type: single nucleotide variant.
Coding change: c.1919A>G on transcript NM_001963.6 (MANE Select); coding-DNA position 1919, A replaced by G.
Protein change: p.Asp640Gly; replaces aspartic acid 640 with glycine.
Molecular consequence: missense variant.
Genome position (GRCh38, 1-based): chr4:109,976,101, A>G. VCF-style: chr4-109976101-A-G. GRCh37 (hg19) VCF-style: chr4-110897257-A-G.
Other names: c.1919A>G, p.Asp640Gly (NM_001178130.3); c.1793A>G, p.Asp598Gly (NM_001178131.3, NM_001357021.2); short protein forms D598G, D640G.
Identifiers: ClinVar variation 1507059 (VCV001507059.9), dbSNP rs376974586, ClinGen allele CA3043834.

ClinVar aggregate classification (germline): Uncertain significance. Review status: criteria provided, multiple submitters, no conflicts (2 of 4 stars). 2 submissions from 2 submitters: Uncertain significance (2). Last evaluated 2024-10-17.

Conditions:
Renal hypomagnesemia 4. Also called: HYPOMAGNESEMIA, RENAL, NORMOCALCIURIC. Identifiers: Orphanet 34527, MedGen C2673648, MONDO:0012717, OMIM 611718.

Allele frequency attached by ClinVar (database versions not stated): TOPMed 0.00003; ESP Exome Variant Server 0.00008; gnomAD exomes 0.00009 and 0.00021; ExAC 0.00012; gnomAD 0.00021 and 0.00023.
gnomAD v4.1: 157 of 1,614,016 alleles (0.0097%); highest among the groups gnomAD compares: Non-Finnish European, 0.0049%; no homozygotes.

Submissions (2):

Labcorp Genetics (formerly Invitae), Labcorp
Classification: Uncertain significance. Last evaluated: 2024-10-17. Review status: criteria provided, single submitter. Criteria: Invitae Variant Classification Sherloc (09022015). Collection method: clinical testing. Allele origin: germline.
Comment: This sequence change replaces aspartic acid, which is acidic and polar, with glycine, which is neutral and non-polar, at codon 640 of the EGF protein (p.Asp640Gly). This variant is present in population databases (rs376974586, gnomAD 0.2%), and has an allele count higher than expected for a pathogenic variant. This variant has not been reported in the literature in individuals affected with EGF-related conditions. ClinVar contains an entry for this variant (Variation ID: 1507059). An algorithm developed to predict the effect of missense changes on protein structure and function outputs the following: PolyPhen-2: "Benign". The glycine amino acid residue is found in multiple mammalian species, which suggests that this missense change does not adversely affect protein function. In summary, the available evidence is currently insufficient to determine the role of this variant in disease. Therefore, it has been classified as a Variant of Uncertain Significance.

Fulgent Genetics
Classification: Uncertain significance for Renal hypomagnesemia 4. Last evaluated: 2022-05-16. Review status: criteria provided, single submitter. Criteria: ACMG Guidelines, 2015. Collection method: clinical testing. Allele origin: unknown.